The following is an entry in ClinVar:

ClinVar aggregate classification (germline): Uncertain significance. Review status: criteria provided, multiple submitters, no conflicts (2 of 4 stars). 2 submissions from 2 submitters: Uncertain significance (2). Last evaluated 2025-03-11.

Conditions:
Inborn genetic diseases. Identifiers: MedGen C0950123, MeSH D030342.
Mosaic variegated aneuploidy syndrome 2 (MVA2). Identifiers: Orphanet 1052, MedGen C3279843, MONDO:0013582, OMIM 614114.

Submissions (2):

Ambry Genetics
Classification: Uncertain significance for Inborn genetic diseases. Last evaluated: 2025-03-11. Review status: criteria provided, single submitter. Criteria: Ambry Variant Classification Scheme 2023. Collection method: clinical testing. Allele origin: germline.
Comment: The p.E362G variant (also known as c.1085A>G), located in coding exon 9 of the CEP57 gene, results from an A to G substitution at nucleotide position 1085. The glutamic acid at codon 362 is replaced by glycine, an amino acid with similar properties. This amino acid position is conserved. In addition, the in silico prediction for this alteration is inconclusive. Based on the available evidence, the clinical significance of this variant remains unclear.

Labcorp Genetics (formerly Invitae), Labcorp
Classification: Uncertain significance for Mosaic variegated aneuploidy syndrome 2. Last evaluated: 2025-02-15. Review status: criteria provided, single submitter. Criteria: Invitae Variant Classification Sherloc (09022015). Collection method: clinical testing. Allele origin: germline.
Comment: This sequence change replaces glutamic acid, which is acidic and polar, with glycine, which is neutral and non-polar, at codon 362 of the CEP57 protein (p.Glu362Gly). This variant is not present in population databases (gnomAD no frequency). This variant has not been reported in the literature in individuals affected with CEP57-related conditions. Invitae Evidence Modeling of protein sequence and biophysical properties (such as structural, functional, and spatial information, amino acid conservation, physicochemical variation, residue mobility, and thermodynamic stability) has been performed for this missense variant. However, the output from this modeling did not meet the statistical confidence thresholds required to predict the impact of this variant on CEP57 protein function. In summary, the available evidence is currently insufficient to determine the role of this variant in disease. Therefore, it has been classified as a Variant of Uncertain Significance.

NM_014679.5(CEP57):c.1085A>G (p.Glu362Gly)

Gene: CEP57 (centrosomal protein 57; plus strand). Cytogenetic location: 11q21.
Variant type: single nucleotide variant.
Coding change: c.1085A>G on transcript NM_014679.5 (MANE Select); coding-DNA position 1085, A replaced by G.
Protein change: p.Glu362Gly; replaces glutamic acid 362 with glycine.
Molecular consequence: missense variant.
Genome position (GRCh38, 1-based): chr11:95,827,985, A>G. VCF-style: chr11-95827985-A-G. GRCh37 (hg19) VCF-style: chr11-95561149-A-G.
Other names: c.1058A>G, p.Glu353Gly (NM_001243776.2); c.1007A>G, p.Glu336Gly (NM_001243777.2); c.1004A>G, p.Glu335Gly (NM_001363604.2); short protein forms E353G, E335G, E362G, E336G.
Identifiers: ClinVar variation 3832022 (VCV003832022.2).
Genomic context (GRCh38, chr11:95,827,985, plus strand): 5'-AAAGTAAGAAGTTGTCAGTAACACCTCCCTCCTCCAACGGTATTAATGAGGAGTTGTCAG[A>G]AGTCTTACAGACTTTACAGGATGAATTTGGGCAAATGAGCTTGTGAGTTTTTGTTTTTTT-3'
Protein context (NP_055494.2, residues 352-372): SSNGINEELS[Glu362Gly]VLQTLQDEFG